The following is an entry in ClinVar:

ClinVar aggregate classification (germline): Uncertain significance. Review status: criteria provided, multiple submitters, no conflicts (2 of 4 stars). 2 submissions from 2 submitters: Uncertain significance (2). Last evaluated 2026-06-28.

Conditions:
POLR1A-related disorder. Also called: POLR1A-related condition.

Allele frequency attached by ClinVar (database versions not stated): gnomAD exomes 0.00002; TOPMed 0.00002; ExAC 0.00005.
gnomAD v4.1: 11 of 1,614,130 alleles (0.00068%); highest among the groups gnomAD compares: Admixed American, 0.018%; no homozygotes.

Submissions (2):

PreventionGenetics, part of Exact Sciences
Classification: Uncertain significance for POLR1A-related condition. Last evaluated: 2026-06-28. Review status: criteria provided, single submitter. Criteria: ACMG Guidelines, 2015. Collection method: clinical testing. Allele origin: germline.
Comment: The POLR1A c.2884C>T variant is predicted to result in the amino acid substitution p.Pro962Ser. To our knowledge, this variant has not been reported in the literature. This variant is reported in 0.035% of alleles in individuals of Latino descent in gnomAD. At this time, the clinical significance of this variant is uncertain due to the absence of conclusive functional and genetic evidence.

Labcorp Genetics (formerly Invitae), Labcorp
Classification: Uncertain significance. Last evaluated: 2024-09-30. Review status: criteria provided, single submitter. Criteria: Invitae Variant Classification Sherloc (09022015). Collection method: clinical testing. Allele origin: germline.
Comment: This sequence change replaces proline, which is neutral and non-polar, with serine, which is neutral and polar, at codon 962 of the POLR1A protein (p.Pro962Ser). This variant is present in population databases (rs745843433, gnomAD 0.04%). This variant has not been reported in the literature in individuals affected with POLR1A-related conditions. ClinVar contains an entry for this variant (Variation ID: 1904876). An algorithm developed to predict the effect of missense changes on protein structure and function (PolyPhen-2) suggests that this variant is likely to be tolerated. In summary, the available evidence is currently insufficient to determine the role of this variant in disease. Therefore, it has been classified as a Variant of Uncertain Significance.

NM_015425.6(POLR1A):c.2884C>T (p.Pro962Ser)

Genes: POLR1A (RNA polymerase I subunit A; minus strand), LOC126806263 (BRD4-independent group 4 enhancer GRCh37_chr2:86272354-86273553; plus strand). Cytogenetic location: 2p11.2.
Variant type: single nucleotide variant.
Coding change: c.2884C>T on transcript NM_015425.6 (MANE Select); coding-DNA position 2884, C replaced by T.
Protein change: p.Pro962Ser; replaces proline 962 with serine.
Molecular consequence: missense variant.
Genome position (GRCh38, 1-based): chr2:86,045,619, G>A on the plus strand (C>T on the coding strand, the complement: POLR1A is on the minus strand). VCF-style: chr2-86045619-G-A. GRCh37 (hg19) VCF-style: chr2-86272742-G-A.
Other names: c.2884C>T (NM_015425.4); short protein forms P962S.
Identifiers: ClinVar variation 1904876 (VCV001904876.6), dbSNP rs745843433, ClinGen allele CA1745938.